The following is an entry in ClinVar:

NM_007325.5(GRIA3):c.268+16690G>A

Gene: GRIA3 (glutamate ionotropic receptor AMPA type subunit 3; plus strand). Cytogenetic location: Xq25.
Variant type: single nucleotide variant.
Coding change: c.268+16690G>A on transcript NM_007325.5 (MANE Select); 16690 bases into the intron after coding-DNA position 268, G replaced by A.
Molecular consequence: intron variant. On other transcripts: missense variant (1).
Genome position (GRCh38, 1-based): chrX:123,202,680, G>A. VCF-style: chrX-123202680-G-A. GRCh37 (hg19) VCF-style: chrX-122336532-G-A.
Other names: c.313G>A, p.Glu105Lys (NM_001256743.2); c.268+16690G>A (NM_000828.5); short protein forms E105K.
Identifiers: ClinVar variation 5020850 (VCV005020850.1).

ClinVar aggregate classification (germline): Uncertain significance (1 of 4 stars; one submission).

Submission:

Dasa
Classification: Uncertain significance. Last evaluated: 2025-09-27. Review status: criteria provided, single submitter. Criteria: DASA Assertion Criteria. Collection method: clinical testing. Allele origin: germline.
Comment: NM_001256743.2(GRIA3):c.313G>A (p.Glu105Lys) is a missense variant that results in the substitution of glutamic acid with lysine. This variant is rare in population databases. Computational prediction algorithms are consistent with a benign effect. The currently available literature and clinical evidence are not sufficient to establish a definitive association between this variant and the reported condition. Therefore, this variant is classified as a variant of uncertain significance.